The following is an entry in ClinVar:

ClinVar aggregate classification (germline): Pathogenic (1 of 4 stars; one submission).

Conditions:
Familial cancer of breast. Also called: BREAST CANCER, FAMILIAL; hereditary breast carcinoma; Hereditary breast cancer. Identifiers: Orphanet 227535, MedGen C0346153, MONDO:0016419, OMIM 114480. Disease mechanism: loss of function.

Submission:

Labcorp Genetics (formerly Invitae), Labcorp
Classification: Pathogenic for Familial cancer of breast. Last evaluated: 2023-08-28. Review status: criteria provided, single submitter. Criteria: Invitae Variant Classification Sherloc (09022015). Collection method: clinical testing. Allele origin: germline.
Comment: For these reasons, this variant has been classified as Pathogenic. This variant has not been reported in the literature in individuals affected with CHEK2-related conditions. This variant is not present in population databases (gnomAD no frequency). This sequence change creates a premature translational stop signal (p.Thr225Trpfs*16) in the CHEK2 gene. It is expected to result in an absent or disrupted protein product. Loss-of-function variants in CHEK2 are known to be pathogenic (PMID: 21876083, 24713400).

Literature cited by the submitters: PubMed 21876083; PubMed 24713400.

NM_007194.4(CHEK2):c.669_679del (p.Thr225fs)

Gene: CHEK2 (checkpoint kinase 2; minus strand). Cytogenetic location: 22q12.1.
Variant type: Deletion.
Coding change: c.669_679del on transcript NM_007194.4 (MANE Select); coding-DNA positions 669 to 679, 11 bases deleted (AAAAACTCTTG).
Protein change: p.Thr225fs; shifts the reading frame from threonine 225.
Molecular consequence: frameshift variant. On other transcripts: intron variant (1).
Genome position (GRCh38, 1-based): chr22:28,719,399-28,719,409, CAAGAGTTTTT deleted on the plus strand (AAAAACTCTTG on the coding strand, the reverse complement: CHEK2 is on the minus strand). VCF-style (leftmost placement, unchanged base first): chr22-28719398-CCAAGAGTTTTT-C. GRCh37 (hg19) VCF-style: chr22-29115386-CCAAGAGTTTTT-C.
Other names: c.762_772del, p.Thr256fs (NM_001438293.1, NM_001438295.1); c.798_808del, p.Thr268fs (NM_001438294.1, NM_001005735.3); c.669_679del, p.Thr225fs (NM_145862.3); c.482+5477_482+5487del (NM_001349956.3); c.6_16del, p.Thr4fs (NM_001257387.3, NM_001437942.1); short protein forms T4fs, T225fs, T268fs, T256fs.
Identifiers: ClinVar variation 2756059 (VCV002756059.3), dbSNP rs2518008185, ClinGen allele CA2697552641.